The following is an entry in ClinVar:

NM_001042492.3(NF1):c.6043A>G (p.Ile2015Val)

Gene: NF1 (neurofibromin 1; plus strand). Cytogenetic location: 17q11.2.
Variant type: single nucleotide variant.
Coding change: c.6043A>G on transcript NM_001042492.3 (MANE Select); coding-DNA position 6043, A replaced by G.
Protein change: p.Ile2015Val; replaces isoleucine 2015 with valine.
Molecular consequence: missense variant.
Genome position (GRCh38, 1-based): chr17:31,336,369, A>G. VCF-style: chr17-31336369-A-G. GRCh37 (hg19) VCF-style: chr17-29663387-A-G.
Other names: c.5980A>G, p.Ile1994Val (NM_000267.4); short protein forms I1994V, I2015V.
Identifiers: ClinVar variation 1316818 (VCV001316818.3), dbSNP rs2151553260, ClinGen allele CA399011070.
Genomic context (GRCh38, chr17:31,336,369, plus strand): 5'-ATGTTATTTTCCTTCTTCAACTAGATTACAGATCTGCTTGATGTTGTACTAGACAGTTTC[A>G]TCAAAACCAGTGCAACAGGTGGCTTGGGATCAATAAAAGCTGAGGTGATGGCAGATACTG-3'
Protein context (NP_001035957.1, residues 2005-2025): DLLDVVLDSF[Ile2015Val]KTSATGGLGS

ClinVar aggregate classification (germline): Uncertain significance. Review status: criteria provided, multiple submitters, no conflicts (2 of 4 stars). 2 submissions from 2 submitters: Uncertain significance (2). Last evaluated 2023-12-15.

Conditions:
Hereditary cancer-predisposing syndrome. Also called: Hereditary neoplastic syndrome; Neoplastic Syndromes, Hereditary; Tumor predisposition; Hereditary Cancer Syndrome. Identifiers: Orphanet 140162, MedGen C0027672, MeSH D009386, MONDO:0015356.
Cardiovascular phenotype. Identifiers: MedGen CN230736.

Submissions (2):

Ambry Genetics
Classification: Uncertain significance for Cardiovascular phenotype; Hereditary cancer-predisposing syndrome. Last evaluated: 2023-12-15. Review status: criteria provided, single submitter. Criteria: Ambry Variant Classification Scheme 2023. Collection method: clinical testing. Allele origin: germline.
Comment: The p.I1994V variant (also known as c.5980A>G), located in coding exon 40 of the NF1 gene, results from an A to G substitution at nucleotide position 5980. The isoleucine at codon 1994 is replaced by valine, an amino acid with highly similar properties. This amino acid position is conserved. In addition, the in silico prediction for this alteration is inconclusive. Since supporting evidence is limited at this time, the clinical significance of this alteration remains unclear.

GeneDx
Classification: Uncertain significance. Last evaluated: 2020-01-23. Review status: criteria provided, single submitter. Criteria: GeneDx Variant Classification Process June 2021. Collection method: clinical testing. Allele origin: germline. Affected: yes.
Comment: Not observed in large population cohorts (Lek 2016); In silico analysis, which includes protein predictors and evolutionary conservation, supports that this variant does not alter protein structure/function; Has not been previously published as pathogenic or benign to our knowledge